The following is an entry in ClinVar:

NM_138694.4(PKHD1):c.9589C>T (p.Gln3197Ter)

Gene: PKHD1 (PKHD1 ciliary IPT domain containing fibrocystin/polyductin; minus strand). Cytogenetic location: 6p12.3.
Variant type: single nucleotide variant.
Coding change: c.9589C>T on transcript NM_138694.4 (MANE Select); coding-DNA position 9589, C replaced by T.
Protein change: p.Gln3197Ter; replaces glutamine 3197 with a stop codon.
Molecular consequence: nonsense.
Genome position (GRCh38, 1-based): chr6:51,748,027, G>A on the plus strand (C>T on the coding strand, the complement: PKHD1 is on the minus strand). VCF-style: chr6-51748027-G-A. GRCh37 (hg19) VCF-style: chr6-51612825-G-A.
Other names: c.9589C>T, p.Gln3197Ter (NM_170724.3); c.9589C>T (NM_138694.3); short protein forms Q3197*.
Identifiers: ClinVar variation 1411973 (VCV001411973.8), dbSNP rs2150982651, ClinGen allele CA364420743.
Genomic context (GRCh38, chr6:51,748,027, plus strand): 5'-CCTGAATGCAGTCAAAAGAAGAGCTGGTGGCCACAATGACTGAATTCCTAAGCACAATCT[G>A]CACTTTTTTGACGGAATTTTGTGGAGCAGAAAATACATACACTACTGCCAAAAGACCAAT-3'

ClinVar aggregate classification (germline): Pathogenic/Likely pathogenic. Review status: criteria provided, multiple submitters, no conflicts (2 of 4 stars). 3 submissions from 3 submitters: Pathogenic (1); Likely pathogenic (2). Last evaluated 2025-02-07.

Conditions:
Autosomal recessive polycystic kidney disease (ARPKD). Also called: AR polycystic kidney disease. Identifiers: Orphanet 731, Orphanet 8378, MedGen C0085548, MeSH D017044, MONDO:0009889.
Polycystic kidney disease 4 (PKD4). Also called: POLYCYSTIC KIDNEY DISEASE 4 WITH OR WITHOUT POLYCYSTIC LIVER DISEASE; PKD3; Autosomal Recessive Polycystic Kidney Disease – PKHD1; POLYCYSTIC KIDNEY AND HEPATIC DISEASE 1; POLYCYSTIC KIDNEY DISEASE, INFANTILE, TYPE I. Identifiers: MedGen C4540575, MONDO:0033004, OMIM 263200.

Submissions (3):

Natera, Inc.
Classification: Likely pathogenic for Autosomal recessive polycystic kidney disease. Last evaluated: 2025-02-07. Review status: criteria provided, single submitter. Criteria: Natera Variant Classification Schema (03/2026). Collection method: clinical testing. Allele origin: germline.
Comment: The c.9589C>T variant in PKHD1 is a nonsense variant predicted to introduce a stop codon at amino acid 3197. This variant is expected to result in nonsense mediated decay, truncation, or a dysfunctional protein product. This variant is rare in the general population with a frequency below the threshold expected for the associated phenotype(s). Given the available evidence, this variant is classified as Likely Pathogenic.

Fulgent Genetics
Classification: Likely pathogenic for Polycystic kidney disease 4. Last evaluated: 2024-01-23. Review status: criteria provided, single submitter. Criteria: ACMG Guidelines, 2015. Collection method: clinical testing. Allele origin: germline.

Labcorp Genetics (formerly Invitae), Labcorp
Classification: Pathogenic for Autosomal recessive polycystic kidney disease. Last evaluated: 2023-06-15. Review status: criteria provided, single submitter. Criteria: Invitae Variant Classification Sherloc (09022015). Collection method: clinical testing. Allele origin: germline.
Comment: This variant is not present in population databases (gnomAD no frequency). For these reasons, this variant has been classified as Pathogenic. Algorithms developed to predict the effect of sequence changes on RNA splicing suggest that this variant may create or strengthen a splice site. ClinVar contains an entry for this variant (Variation ID: 1411973). This variant has not been reported in the literature in individuals affected with PKHD1-related conditions. This sequence change creates a premature translational stop signal (p.Gln3197*) in the PKHD1 gene. It is expected to result in an absent or disrupted protein product. Loss-of-function variants in PKHD1 are known to be pathogenic (PMID: 19940839).

Literature cited by the submitters: PubMed 19940839 (cited by Labcorp Genetics (formerly Invitae), Labcorp).